The following is an entry in ClinVar:

ClinVar aggregate classification (germline): Pathogenic (1 of 4 stars; one submission).

Conditions:
Hereditary cancer-predisposing syndrome. Also called: Neoplastic Syndromes, Hereditary; Tumor predisposition; Hereditary neoplastic syndrome; Hereditary Cancer Syndrome. Identifiers: Orphanet 140162, MedGen C0027672, MeSH D009386, MONDO:0015356.

Submission:

Ambry Genetics
Classification: Pathogenic for Hereditary cancer-predisposing syndrome. Last evaluated: 2026-07-01. Review status: criteria provided, single submitter. Criteria: Ambry Variant Classification Scheme 2023. Collection method: clinical testing. Allele origin: germline.
Comment: The c.9523_9527delGAAGCins18 variant, located in coding exon 25 of the BRCA2 gene, results from the deletion of 5 nucleotides and insertion of 18 nucleotides causing a translational frameshift with a predicted alternate stop codon (p.E3175Ifs*18). This variant is considered to be rare based on population cohorts in the Genome Aggregation Database (gnomAD). This alteration is expected to result in loss of function by premature protein truncation or nonsense-mediated mRNA decay. As such, this alteration is interpreted as a disease-causing mutation.

NM_000059.4(BRCA2):c.9523_9527delinsATTCTTATGCAATGCATA (p.Glu3175fs)

Gene: BRCA2 (BRCA2 DNA repair associated; plus strand). Cytogenetic location: 13q13.1.
Variant type: Indel.
Coding change: c.9523_9527delinsATTCTTATGCAATGCATA on transcript NM_000059.4 (MANE Select); coding-DNA positions 9523 to 9527, GAAGC replaced by ATTCTTATGCAATGCATA.
Protein change: p.Glu3175fs; shifts the reading frame from glutamic acid 3175.
Molecular consequence: frameshift variant. On other transcripts: non-coding transcript variant (1).
Genome position (GRCh38, 1-based): chr13:32,396,919-32,396,923, GAAGC replaced by ATTCTTATGCAATGCATA. VCF-style: chr13-32396919-GAAGC-ATTCTTATGCAATGCATA. GRCh37 (hg19) VCF-style: chr13-32971056-GAAGC-ATTCTTATGCAATGCATA.
Other names: c.9427_9431delinsATTCTTATGCAATGCATA, p.Glu3143fs (NM_001406719.1); c.9472_9476delinsATTCTTATGCAATGCATA, p.Glu3158fs (NM_001406720.1); c.4591_4595delinsATTCTTATGCAATGCATA, p.Glu1531fs (NM_001406721.1); c.3106_3110delinsATTCTTATGCAATGCATA, p.Glu1036fs (NM_001406722.1); c.9523_9527delinsATTCTTATGCAATGCATA, p.Glu3175fs (NM_001432077.1); short protein forms E1036fs, E3158fs, E3143fs, E3175fs, E1531fs.
Identifiers: ClinVar variation 5033255 (VCV005033255.1).